The following is an entry in ClinVar:

NM_016938.5(EFEMP2):c.268G>A (p.Asp90Asn)

Gene: EFEMP2 (EGF-like fibulin extracellular matrix protein 2; minus strand). Cytogenetic location: 11q13.1.
Variant type: single nucleotide variant.
Coding change: c.268G>A on transcript NM_016938.5 (MANE Select); coding-DNA position 268, G replaced by A.
Protein change: p.Asp90Asn; replaces aspartic acid 90 with asparagine.
Molecular consequence: missense variant. On other transcripts: non-coding transcript variant (1).
Genome position (GRCh38, 1-based): chr11:65,871,256, C>T on the plus strand (G>A on the coding strand, the complement: EFEMP2 is on the minus strand). VCF-style: chr11-65871256-C-T. GRCh37 (hg19) VCF-style: chr11-65638727-C-T.
Other names: short protein forms D90N.
Identifiers: ClinVar variation 860694 (VCV000860694.8), dbSNP rs1859960797, ClinGen allele CA381309789.

ClinVar aggregate classification (germline): Uncertain significance. Review status: criteria provided, multiple submitters, no conflicts (2 of 4 stars). 2 submissions from 2 submitters: Uncertain significance (2). Last evaluated 2025-07-21.

Conditions:
Cutis laxa, autosomal recessive, type 1B (ARCL1B). Also called: CUTIS LAXA, AUTOSOMAL RECESSIVE, TYPE IB; EFEMP2-Related Cutis Laxa. Identifiers: Orphanet 90349, MedGen C3280798, MONDO:0013754, OMIM 614437. Disease mechanism: loss of function.
Cardiovascular phenotype. Identifiers: MedGen CN230736.

gnomAD v4.1: 4 of 1,613,980 alleles (0.00025%); highest among the groups gnomAD compares: Non-Finnish European, 0.00034%; no homozygotes.

Submissions (2):

Ambry Genetics
Classification: Uncertain significance for Cardiovascular phenotype. Last evaluated: 2025-07-21. Review status: criteria provided, single submitter. Criteria: Ambry Variant Classification Scheme 2023. Collection method: clinical testing. Allele origin: germline.
Comment: The p.D90N variant (also known as c.268G>A), located in coding exon 3 of the EFEMP2 gene, results from a G to A substitution at nucleotide position 268. The aspartic acid at codon 90 is replaced by asparagine, an amino acid with highly similar properties. This amino acid position is conserved. In addition, this alteration is predicted to be tolerated by in silico analysis. Based on the available evidence, the clinical significance of this variant remains unclear.

Labcorp Genetics (formerly Invitae), Labcorp
Classification: Uncertain significance for Cutis laxa, autosomal recessive, type 1B. Last evaluated: 2021-08-28. Review status: criteria provided, single submitter. Criteria: Invitae Variant Classification Sherloc (09022015). Collection method: clinical testing. Allele origin: germline.
Comment: This sequence change replaces aspartic acid with asparagine at codon 90 of the EFEMP2 protein (p.Asp90Asn). The aspartic acid residue is highly conserved and there is a small physicochemical difference between aspartic acid and asparagine. This variant is not present in population databases (ExAC no frequency). This variant has not been reported in the literature in individuals affected with EFEMP2-related conditions. Algorithms developed to predict the effect of missense changes on protein structure and function are either unavailable or do not agree on the potential impact of this missense change (SIFT: "Deleterious"; PolyPhen-2: "Benign"; Align-GVGD: "Class C0"). In summary, the available evidence is currently insufficient to determine the role of this variant in disease. Therefore, it has been classified as a Variant of Uncertain Significance.